The following is an entry in ClinVar:

ClinVar aggregate classification (germline): Uncertain significance (1 of 4 stars; one submission).

Conditions:
RYR1-related disorder. Also called: RYR1-related condition; RYR1-related disorders. Identifiers: MedGen CN239331.

Allele frequency attached by ClinVar (database versions not stated): TOPMed below 0.00001.

Submission:

Labcorp Genetics (formerly Invitae), Labcorp
Classification: Uncertain significance for RYR1-related disorder. Last evaluated: 2023-02-28. Review status: criteria provided, single submitter. Criteria: Invitae Variant Classification Sherloc (09022015). Collection method: clinical testing. Allele origin: germline.
Comment: This sequence change replaces isoleucine, which is neutral and non-polar, with valine, which is neutral and non-polar, at codon 1862 of the RYR1 protein (p.Ile1862Val). This variant is not present in population databases (gnomAD no frequency). This variant has not been reported in the literature in individuals affected with RYR1-related conditions. Advanced modeling of protein sequence and biophysical properties (such as structural, functional, and spatial information, amino acid conservation, physicochemical variation, residue mobility, and thermodynamic stability) performed at Invitae indicates that this missense variant is not expected to disrupt RYR1 protein function. In summary, the available evidence is currently insufficient to determine the role of this variant in disease. Therefore, it has been classified as a Variant of Uncertain Significance.

NM_000540.3(RYR1):c.5584A>G (p.Ile1862Val)

Gene: RYR1 (ryanodine receptor 1; plus strand). Cytogenetic location: 19q13.2.
Variant type: single nucleotide variant.
Coding change: c.5584A>G on transcript NM_000540.3 (MANE Select); coding-DNA position 5584, A replaced by G.
Protein change: p.Ile1862Val; replaces isoleucine 1862 with valine.
Molecular consequence: missense variant.
Genome position (GRCh38, 1-based): chr19:38,489,213, A>G. VCF-style: chr19-38489213-A-G. GRCh37 (hg19) VCF-style: chr19-38979853-A-G.
Other names: c.5584A>G, p.Ile1862Val (NM_001042723.2); short protein forms I1862V.
Identifiers: ClinVar variation 3006861 (VCV003006861.3), dbSNP rs886054391, ClinGen allele CA405657665.